The following is an entry in ClinVar:

ClinVar aggregate classification (germline): Uncertain significance. Review status: criteria provided, multiple submitters, no conflicts (2 of 4 stars). 2 submissions from 2 submitters: Uncertain significance (2). Last evaluated 2022-04-08.

Conditions:
Lethal left ventricular non-compaction-seizures-hypotonia-cataract-developmental delay syndrome. Also called: Combined oxidative phosphorylation deficiency 31. Identifiers: Orphanet 478049, MedGen C4310661, MONDO:0014976, OMIM 617228.

Allele frequency attached by ClinVar (database versions not stated): TOPMed 0.00005; gnomAD 0.00006 and 0.00007; gnomAD exomes 0.00007 and 0.00011; ExAC 0.00014; 1000 Genomes Project 30x 0.00031.
gnomAD v4.1: 111 of 1,613,214 alleles (0.0069%); highest among the groups gnomAD compares: South Asian, 0.062%; no homozygotes.

Submissions (2):

Labcorp Genetics (formerly Invitae), Labcorp
Classification: Uncertain significance. Last evaluated: 2022-04-08. Review status: criteria provided, single submitter. Criteria: Invitae Variant Classification Sherloc (09022015). Collection method: clinical testing. Allele origin: germline.
Comment: This variant has not been reported in the literature in individuals affected with MIPEP-related conditions. In summary, the available evidence is currently insufficient to determine the role of this variant in disease. Therefore, it has been classified as a Variant of Uncertain Significance. Algorithms developed to predict the effect of missense changes on protein structure and function are either unavailable or do not agree on the potential impact of this missense change (SIFT: "Tolerated"; PolyPhen-2: "Probably Damaging"; Align-GVGD: "Class C0"). ClinVar contains an entry for this variant (Variation ID: 1030039). This variant is present in population databases (rs202147615, gnomAD 0.06%). This sequence change replaces alanine, which is neutral and non-polar, with threonine, which is neutral and polar, at codon 570 of the MIPEP protein (p.Ala570Thr).

Baylor Genetics
Classification: Uncertain significance for Lethal left ventricular non-compaction-seizures-hypotonia-cataract-developmental delay syndrome. Last evaluated: 2020-06-03. Review status: criteria provided, single submitter. Criteria: ACMG Guidelines, 2015. Collection method: clinical testing. Allele origin: unknown. Affected: yes.
Comment: This variant was determined to be of uncertain significance according to ACMG Guidelines, 2015 [PMID:25741868].

NM_005932.4(MIPEP):c.1708G>A (p.Ala570Thr)

Gene: MIPEP (mitochondrial intermediate peptidase; minus strand). Cytogenetic location: 13q12.12.
Variant type: single nucleotide variant.
Coding change: c.1708G>A on transcript NM_005932.4 (MANE Select); coding-DNA position 1708, G replaced by A.
Protein change: p.Ala570Thr; replaces alanine 570 with threonine.
Molecular consequence: missense variant.
Genome position (GRCh38, 1-based): chr13:23,809,870, C>T on the plus strand (G>A on the coding strand, the complement: MIPEP is on the minus strand). VCF-style: chr13-23809870-C-T. GRCh37 (hg19) VCF-style: chr13-24384009-C-T.
Other names: short protein forms A570T.
Identifiers: ClinVar variation 1030039 (VCV001030039.6), dbSNP rs202147615, ClinGen allele CA6912893.